The following is an entry in ClinVar:

NM_001244926.2(PRPF4):c.1249A>G (p.Asn417Asp)

Gene: PRPF4 (pre-mRNA splicing tri-snRNP complex factor PRPF4; plus strand). Cytogenetic location: 9q32.
Variant type: single nucleotide variant.
Coding change: c.1249A>G on transcript NM_001244926.2 (MANE Select); coding-DNA position 1249, A replaced by G.
Protein change: p.Asn417Asp; replaces asparagine 417 with aspartic acid.
Molecular consequence: missense variant. On other transcripts: non-coding transcript variant (2).
Genome position (GRCh38, 1-based): chr9:113,290,803, A>G. VCF-style: chr9-113290803-A-G. GRCh37 (hg19) VCF-style: chr9-116053083-A-G.
Other names: c.523A>G, p.Asn175Asp (NM_001322266.2, NM_001322267.2); c.1252A>G, p.Asn418Asp (NM_004697.5); c.1252A>G (NM_004697.4); short protein forms N418D, N175D, N417D.
Identifiers: ClinVar variation 2143604 (VCV002143604.6), dbSNP rs1223232742, ClinGen allele CA374555504.

ClinVar aggregate classification (germline): Conflicting classifications of pathogenicity. Review status: criteria provided, conflicting classifications (1 of 4 stars). 3 submissions from 3 submitters: Uncertain significance (2); Likely benign (1). Last evaluated 2025-03-12.

Allele frequency attached by ClinVar (database versions not stated): gnomAD exomes 0.00001; TOPMed 0.00002; gnomAD 0.00003.
gnomAD v4.1: 9 of 1,613,974 alleles (0.00056%); highest among the groups gnomAD compares: African/African-American, 0.0027%; no homozygotes.

Submissions (3):

Labcorp Genetics (formerly Invitae), Labcorp
Classification: Uncertain significance. Last evaluated: 2025-03-12. Review status: criteria provided, single submitter. Criteria: Invitae Variant Classification Sherloc (09022015). Collection method: clinical testing. Allele origin: germline.
Comment: This sequence change replaces asparagine, which is neutral and polar, with aspartic acid, which is acidic and polar, at codon 418 of the PRPF4 protein (p.Asn418Asp). This variant is present in population databases (no rsID available, gnomAD 0.004%). This variant has not been reported in the literature in individuals affected with PRPF4-related conditions. ClinVar contains an entry for this variant (Variation ID: 2143604). An algorithm developed to predict the effect of missense changes on protein structure and function (PolyPhen-2) suggests that this variant is likely to be disruptive. In summary, the available evidence is currently insufficient to determine the role of this variant in disease. Therefore, it has been classified as a Variant of Uncertain Significance.

Ambry Genetics
Classification: Uncertain significance. Last evaluated: 2024-08-20. Review status: criteria provided, single submitter. Criteria: Ambry Variant Classification Scheme 2023. Collection method: clinical testing. Allele origin: germline.

Blueprint Genetics
Classification: Likely benign. Last evaluated: 2019-07-11. Review status: criteria provided, single submitter. Criteria: ACMG Guidelines, 2015. Collection method: clinical testing. Allele origin: germline.